The following is an entry in ClinVar:

NM_001267550.2(TTN):c.19180G>C (p.Val6394Leu)

Gene: TTN (titin; minus strand). Cytogenetic location: 2q31.2.
Variant type: single nucleotide variant.
Coding change: c.19180G>C on transcript NM_001267550.2 (MANE Select); coding-DNA position 19180, G replaced by C.
Protein change: p.Val6394Leu; replaces valine 6394 with leucine.
Molecular consequence: missense variant. On other transcripts: intron variant (3).
Genome position (GRCh38, 1-based): chr2:178,728,746, C>G on the plus strand (G>C on the coding strand, the complement: TTN is on the minus strand). VCF-style: chr2-178728746-C-G. GRCh37 (hg19) VCF-style: chr2-179593473-C-G.
Other names: c.18229G>C, p.Val6077Leu (NM_001256850.1); c.15448G>C, p.Val5150Leu (NM_133378.4); c.13282+9336G>C (NM_003319.4); c.13858+9336G>C (NM_133437.4); c.13657+9336G>C (NM_133432.3); short protein forms V6394L, V5150L, V6077L.
Identifiers: ClinVar variation 669048 (VCV000669048.14), dbSNP rs370515485, ClinGen allele CA2001449.

ClinVar aggregate classification (germline): Conflicting classifications of pathogenicity. Review status: criteria provided, conflicting classifications (1 of 4 stars). 4 submissions from 4 submitters: Uncertain significance (3); Likely benign (1). Last evaluated 2025-08-05.

Conditions:
TTN-related disorder. Also called: TTN-related condition; TTN-related disease; TTN-related disorders.

Allele frequency attached by ClinVar (database versions not stated): gnomAD exomes 0.00004 and 0.00008; ExAC 0.00007; ESP Exome Variant Server 0.00008; TOPMed 0.00001; gnomAD 0.00004.
gnomAD v4.1: 57 of 1,604,408 alleles (0.0036%); highest among the groups gnomAD compares: Non-Finnish European, 0.003%; no homozygotes.

Submissions (4):

PreventionGenetics, part of Exact Sciences
Classification: Uncertain significance for TTN-related condition. Last evaluated: 2025-08-05. Review status: criteria provided, single submitter. Criteria: ACMG Guidelines, 2015. Collection method: clinical testing. Allele origin: germline.
Comment: The TTN c.19180G>C variant is predicted to result in the amino acid substitution p.Val6394Leu. To our knowledge, this variant has not been reported in the literature. This variant is reported in 0.028% of alleles in individuals of European (Finnish) descent in gnomAD. At this time, the clinical significance of this variant is uncertain due to the absence of conclusive functional and genetic evidence.

CeGaT Center for Human Genetics Tuebingen
Classification: Uncertain significance. Last evaluated: 2025-07-01. Review status: criteria provided, single submitter. Criteria: CeGaT Center For Human Genetics Tuebingen Variant Classification Criteria Version 2. Collection method: clinical testing. Allele origin: germline. Affected: yes. Observed: 1 variant allele.
Comment: TTN: PM2, BP4

Revvity Omics, Revvity
Classification: Uncertain significance. Last evaluated: 2021-05-13. Review status: criteria provided, single submitter. Criteria: ACMG Guidelines, 2015. Collection method: clinical testing. Allele origin: germline.

GeneDx
Classification: Likely benign. Last evaluated: 2020-04-07. Review status: criteria provided, single submitter. Criteria: GeneDx Variant Classification Process June 2021. Collection method: clinical testing. Allele origin: germline. Affected: yes.